The following is an entry in ClinVar:

ClinVar aggregate classification (germline): Uncertain significance (1 of 4 stars; one submission).

Conditions:
Familial thoracic aortic aneurysm and aortic dissection (TAAD). Also called: Thoracic aortic aneurysms and dissections. Identifiers: Orphanet 91387, MedGen C4707243, MONDO:0019625.

gnomAD v4.1: 2 of 1,604,540 alleles (0.00012%); highest among the groups gnomAD compares: Non-Finnish European, 0.00017%; no homozygotes.

Submission:

Ambry Genetics
Classification: Uncertain significance for Familial thoracic aortic aneurysm and aortic dissection. Last evaluated: 2026-04-27. Review status: criteria provided, single submitter. Criteria: Ambry Variant Classification Scheme 2023. Collection method: clinical testing. Allele origin: germline.
Comment: The p.D529Y variant (also known as c.1585G>T) is located in coding exon 15 of the PLOD1 gene. The aspartic acid at codon 529 is replaced by tyrosine, an amino acid with highly dissimilar properties. This change occurs in the first base pair of coding exon 15. This amino acid position is conserved. In addition, this alteration is predicted to be deleterious by in silico analysis. Based on the available evidence, the clinical significance of this variant remains unclear.

NM_000302.4(PLOD1):c.1585G>T (p.Asp529Tyr)

Gene: PLOD1 (procollagen-lysine,2-oxoglutarate 5-dioxygenase 1; plus strand). Cytogenetic location: 1p36.22.
Variant type: single nucleotide variant.
Coding change: c.1585G>T on transcript NM_000302.4 (MANE Select); coding-DNA position 1585, G replaced by T.
Protein change: p.Asp529Tyr; replaces aspartic acid 529 with tyrosine.
Molecular consequence: missense variant.
Genome position (GRCh38, 1-based): chr1:11,966,251, G>T. VCF-style: chr1-11966251-G-T. GRCh37 (hg19) VCF-style: chr1-12026308-G-T.
Other names: c.1726G>T, p.Asp576Tyr (NM_001316320.2); short protein forms D529Y, D576Y.
Identifiers: ClinVar variation 4862065 (VCV004862065.1).